The following is an entry in ClinVar:

NM_000548.5(TSC2):c.2584_2585delinsTT (p.Ala862Leu)

Gene: TSC2 (TSC complex subunit 2; plus strand). Cytogenetic location: 16p13.3.
Variant type: Indel.
Coding change: c.2584_2585delinsTT on transcript NM_000548.5 (MANE Select); coding-DNA positions 2584 to 2585, GC replaced by TT.
Protein change: p.Ala862Leu; replaces alanine 862 with leucine.
Molecular consequence: missense variant. On other transcripts: non-coding transcript variant (5).
Genome position (GRCh38, 1-based): chr16:2,075,837-2,075,838, GC replaced by TT. VCF-style: chr16-2075837-GC-TT. GRCh37 (hg19) VCF-style: chr16-2125838-GC-TT.
Other names: c.2584_2585delinsTT, p.Ala862Leu (NM_001077183.3, NM_001114382.3, NM_001363528.2 and 6 more transcripts); c.2473_2474delinsTT, p.Ala825Leu (NM_001318827.2, NM_001406678.1, NM_001406670.1); c.2437_2438delinsTT, p.Ala813Leu (NM_001318829.2, NM_001406675.1, NM_001406676.1 and 1 more transcripts); c.1984_1985delinsTT, p.Ala662Leu (NM_001318831.2, NM_001406684.1, NM_001406685.1 and 6 more transcripts); c.2617_2618delinsTT, p.Ala873Leu (NM_001318832.2); c.1240_1241delinsTT, p.Ala414Leu (NM_001406689.1, NM_001406690.1, NM_001406691.1 and 6 more transcripts); c.982_983delinsTT, p.Ala328Leu (NM_001406698.1); c.2572_2573delinsTT, p.Ala858Leu (NM_001406673.1, NM_001406671.1); and 3 more; short protein forms A414L, A892L, A328L, A662L, A825L, A858L, A862L, A813L.
Identifiers: ClinVar variation 2698829 (VCV002698829.3), dbSNP rs2543887691, ClinGen allele CA2697549503.

ClinVar aggregate classification (germline): Uncertain significance (1 of 4 stars; one submission).

Conditions:
Tuberous sclerosis 2 (TSC2). Identifiers: Orphanet 805, MedGen C1860707, MONDO:0013199, OMIM 613254.

Submission:

Labcorp Genetics (formerly Invitae), Labcorp
Classification: Uncertain significance for Tuberous sclerosis 2. Last evaluated: 2023-11-25. Review status: criteria provided, single submitter. Criteria: Invitae Variant Classification Sherloc (09022015). Collection method: clinical testing. Allele origin: germline.
Comment: This sequence change replaces alanine, which is neutral and non-polar, with leucine, which is neutral and non-polar, at codon 862 of the TSC2 protein (p.Ala862Leu). Information on the frequency of this variant in the gnomAD database is not available, as this variant may be reported differently in the database. This variant has not been reported in the literature in individuals affected with TSC2-related conditions. An algorithm developed to predict the effect of missense changes on protein structure and function (PolyPhen-2) suggests that this variant is likely to be tolerated. In summary, the available evidence is currently insufficient to determine the role of this variant in disease. Therefore, it has been classified as a Variant of Uncertain Significance.